The following is an entry in ClinVar:

ClinVar aggregate classification (germline): Uncertain significance (1 of 4 stars; one submission).

Submission:

GeneDx
Classification: Uncertain significance. Last evaluated: 2023-02-19. Review status: criteria provided, single submitter. Criteria: GeneDx Variant Classification Process June 2021. Collection method: clinical testing. Allele origin: germline. Affected: yes.
Comment: Not observed at significant frequency in large population cohorts (gnomAD); In silico analysis supports that this missense variant has a deleterious effect on protein structure/function; Has not been previously published as pathogenic or benign to our knowledge

NM_004380.3(CREBBP):c.5726C>T (p.Pro1909Leu)

Gene: CREBBP (CREB binding protein; minus strand). Cytogenetic location: 16p13.3.
Variant type: single nucleotide variant.
Coding change: c.5726C>T on transcript NM_004380.3 (MANE Select); coding-DNA position 5726, C replaced by T.
Protein change: p.Pro1909Leu; replaces proline 1909 with leucine.
Molecular consequence: missense variant.
Genome position (GRCh38, 1-based): chr16:3,729,321, G>A on the plus strand (C>T on the coding strand, the complement: CREBBP is on the minus strand). VCF-style: chr16-3729321-G-A. GRCh37 (hg19) VCF-style: chr16-3779322-G-A.
Other names: c.5612C>T, p.Pro1871Leu (NM_001079846.1); short protein forms P1871L, P1909L.
Identifiers: ClinVar variation 2576743 (VCV002576743.1), dbSNP rs2151308729, ClinGen allele CA394555661.
Genomic context (GRCh38, chr16:3,729,321, plus strand): 5'-GGCTGAGTCCGGGCCACGCTGGGGAAGCCAGCTGGTGACATGCTCACGGGTGAGGGTTGG[G>A]GCTGGGCAGGGGGCTGCGGCGTCTGGGGTGTGCTGGGCTGCTGTGTGGGGGTCCCGGGCG-3'
Protein context (NP_004371.2, residues 1899-1919): TPQTPQPPAQ[Pro1909Leu]QPSPVSMSPA